The following is an entry in ClinVar:

ClinVar aggregate classification (germline): Benign. Review status: criteria provided, multiple submitters, no conflicts (2 of 4 stars). 5 submissions from 3 submitters: Benign (4). 1 of the submissions does not count toward it. Last evaluated 2026-01-28.

Conditions:
Odonto-onycho-dermal dysplasia. Identifiers: Orphanet 2721, MedGen C0796093, MONDO:0009773, OMIM 257980.
Tooth agenesis, selective, 4 (STHAG4). Also called: SUCCEDANEOUS TEETH, AGENESIS OF; TOOTH AGENESIS, SELECTIVE, 4, WITH OR WITHOUT ECTODERMAL DYSPLASIA; LATERAL INCISORS, ABSENCE OF; LATERAL INCISORS, PEGGED OR MISSING. Identifiers: Orphanet 99798, MedGen C1835492, MONDO:0007881, OMIM 150400. Disease mechanism: loss of function.
WNT10A-related disorder. Also called: WNT10A-related condition; WNT10A-related disorders.
Schöpf-Schulz-Passarge syndrome. Also called: SchC6pf-Schulz-Passarge syndrome; ECCRINE TUMORS WITH ECTODERMAL DYSPLASIA; KERATOSIS PALMOPLANTARIS WITH CYSTIC EYELIDS, HYPODONTIA, AND HYPOTRICHOSIS. Identifiers: Orphanet 50944, MedGen C1857069, MONDO:0009145, OMIM 224750.

Allele frequency attached by ClinVar (database versions not stated): ExAC 0.00540; gnomAD 0.00900 and 0.00958; 1000 Genomes Project 0.00938; ESP Exome Variant Server 0.00943; 1000 Genomes Project 30x 0.00968; TOPMed 0.00992.

Submissions (5):

Labcorp Genetics (formerly Invitae), Labcorp
Classification: Benign for Tooth agenesis, selective, 4; Odonto-onycho-dermal dysplasia. Last evaluated: 2026-01-28. Review status: criteria provided, single submitter. Criteria: Invitae Variant Classification Sherloc (09022015). Collection method: clinical testing. Allele origin: germline.

Illumina Laboratory Services, Illumina
Classification: Benign for Schöpf-Schulz-Passarge syndrome. Last evaluated: 2018-01-12. Review status: criteria provided, single submitter. Criteria: ICSL Variant Classification Criteria 13 December 2019. Collection method: clinical testing. Allele origin: germline.
Comment: This variant was observed in the ICSL laboratory as part of a predisposition screen in an ostensibly healthy population. It had not been previously curated by ICSL or reported in the Human Gene Mutation Database (HGMD: prior to June 1st, 2018), and was therefore a candidate for classification through an automated scoring system. Utilizing variant allele frequency, disease prevalence and penetrance estimates, and inheritance mode, an automated score was calculated to assess if this variant is too frequent to cause the disease. Based on the score and internal cut-off values, a variant classified as benign is not then subjected to further curation. The score for this variant resulted in a classification of benign for this disease.

Illumina Laboratory Services, Illumina
Classification: Benign for Odonto-onycho-dermal dysplasia. Last evaluated: 2018-01-12. Review status: criteria provided, single submitter. Criteria: ICSL Variant Classification Criteria 13 December 2019. Collection method: clinical testing. Allele origin: germline.
Comment: the same text as in the submission from Illumina Laboratory Services, Illumina above.

Illumina Laboratory Services, Illumina
Classification: Benign for Tooth agenesis, selective, 4. Last evaluated: 2018-01-12. Review status: criteria provided, single submitter. Criteria: ICSL Variant Classification Criteria 13 December 2019. Collection method: clinical testing. Allele origin: germline.
Comment: the same text as in the submission from Illumina Laboratory Services, Illumina above.

PreventionGenetics, part of Exact Sciences
Classification: Benign for WNT10A-related condition. Last evaluated: 2019-06-03. Review status: no assertion criteria provided. Collection method: clinical testing. Allele origin: germline. Not counted in ClinVar's aggregate classification.
Comment: This variant is classified as benign based on ACMG/AMP sequence variant interpretation guidelines (Richards et al. 2015 PMID: 25741868, with internal and published modifications).

NM_025216.3(WNT10A):c.817C>A (p.Leu273Ile)

Gene: WNT10A (Wnt family member 10A; plus strand). Cytogenetic location: 2q35.
Variant type: single nucleotide variant.
Coding change: c.817C>A on transcript NM_025216.3 (MANE Select); coding-DNA position 817, C replaced by A.
Protein change: p.Leu273Ile; replaces leucine 273 with isoleucine.
Molecular consequence: missense variant.
Genome position (GRCh38, 1-based): chr2:218,892,834, C>A. VCF-style: chr2-218892834-C-A. GRCh37 (hg19) VCF-style: chr2-219757556-C-A.
Other names: short protein forms L273I.
Identifiers: ClinVar variation 334405 (VCV000334405.17), dbSNP rs111903177, ClinGen allele CA2114048.